The following is an entry in ClinVar:

NM_001353921.2(ARHGEF9):c.1474G>A (p.Gly492Ser)

Gene: ARHGEF9 (Cdc42 guanine nucleotide exchange factor 9; minus strand). Cytogenetic location: Xq11.1.
Variant type: single nucleotide variant.
Coding change: c.1474G>A on transcript NM_001353921.2 (MANE Select); coding-DNA position 1474, G replaced by A.
Protein change: p.Gly492Ser; replaces glycine 492 with serine.
Molecular consequence: missense variant. On other transcripts: 3 prime UTR variant (2).
Genome position (GRCh38, 1-based): chrX:63,638,126, C>T on the plus strand (G>A on the coding strand, the complement: ARHGEF9 is on the minus strand). VCF-style: chrX-63638126-C-T. GRCh37 (hg19) VCF-style: chrX-62858006-C-T.
Other names: c.1294G>A, p.Gly432Ser (NM_001173479.2); c.1147G>A, p.Gly383Ser (NM_001173480.2, NM_001369042.1); c.1390G>A, p.Gly464Ser (NM_001330495.2, NM_001369033.1, NM_001369034.1 and 4 more transcripts); c.1342G>A, p.Gly448Ser (NM_001353922.2); c.1492G>A, p.Gly498Ser (NM_001353923.1); c.1273G>A, p.Gly425Ser (NM_001353924.2, NM_001353926.2, NM_001369039.1 and 1 more transcripts); c.1258G>A, p.Gly420Ser (NM_001353927.2, NM_001369041.1); c.1321G>A, p.Gly441Ser (NM_001353928.2); and 3 more; short protein forms G485S, G420S, G432S, G464S, G303S, G383S, G441S, G448S.
Identifiers: ClinVar variation 579449 (VCV000579449.12), dbSNP rs1365914320, ClinGen allele CA413401157.

ClinVar aggregate classification (germline): Uncertain significance. Review status: criteria provided, multiple submitters, no conflicts (2 of 4 stars). 4 submissions from 4 submitters: Uncertain significance (3). 1 of the submissions does not count toward it. Last evaluated 2024-10-30.

Conditions:
Autism spectrum disorder. Also called: Autism spectrum disorders. Identifiers: MedGen C1510586, MeSH D000067877, MONDO:0005258.
Developmental and epileptic encephalopathy, 8 (DEE8). Also called: HYPEREKPLEXIA AND EPILEPSY. Identifiers: Orphanet 163985, Orphanet 2076, MedGen C1845102, MONDO:0010375, OMIM 300607.

Allele frequency attached by ClinVar (database versions not stated): gnomAD 0.00001; gnomAD exomes 0.00001; TOPMed 0.00002.
gnomAD v4.1: 7 of 1,204,553 alleles (0.00058%); highest among the groups gnomAD compares: East Asian, 0.006%; no homozygotes.

Submissions (4):

Labcorp Genetics (formerly Invitae), Labcorp
Classification: Uncertain significance for Developmental and epileptic encephalopathy, 8. Last evaluated: 2024-10-30. Review status: criteria provided, single submitter. Criteria: Invitae Variant Classification Sherloc (09022015). Collection method: clinical testing. Allele origin: germline.
Comment: This sequence change replaces glycine, which is neutral and non-polar, with serine, which is neutral and polar, at codon 485 of the ARHGEF9 protein (p.Gly485Ser). The frequency data for this variant in the population databases is considered unreliable, as metrics indicate poor data quality at this position in the gnomAD database. This missense change has been observed in individuals with ARHGEF9-related conditions (PMID: 35217970; internal data). ClinVar contains an entry for this variant (Variation ID: 579449). Invitae Evidence Modeling of protein sequence and biophysical properties (such as structural, functional, and spatial information, amino acid conservation, physicochemical variation, residue mobility, and thermodynamic stability) indicates that this missense variant is not expected to disrupt ARHGEF9 protein function with a negative predictive value of 95%. This variant disrupts the p.Gly485 amino acid residue in ARHGEF9. Other variant(s) that disrupt this residue have been observed in individuals with ARHGEF9-related conditions (PMID: 31780880, 35217970), which suggests that this may be a clinically significant amino acid residue. In summary, the available evidence is currently insufficient to determine the role of this variant in disease. Therefore, it has been classified as a Variant of Uncertain Significance.

Athena Diagnostics
Classification: Uncertain significance. Last evaluated: 2018-09-18. Review status: criteria provided, single submitter. Criteria: Athena Diagnostics Criteria. Collection method: clinical testing. Allele origin: germline.

Breakthrough Genomics
Classification: Uncertain significance. Review status: criteria provided, single submitter. Criteria: ACMG Guidelines, 2015. Collection method: not provided. Allele origin: germline. Inheritance: X-linked inheritance. Affected: yes.

Diagnostic Laboratory, Strasbourg University Hospital
Classification: Uncertain significance for Autism spectrum disorder. Last evaluated: 2019-12-01. Review status: no assertion criteria provided. Collection method: clinical testing. Allele origin: maternal. Affected: yes. Observed: 1 hemizygote. Not counted in ClinVar's aggregate classification.

Literature cited by the submitters: PubMed 35217970 (cited by Labcorp Genetics (formerly Invitae), Labcorp); PubMed 31780880 (cited by Labcorp Genetics (formerly Invitae), Labcorp).